The following is an entry in ClinVar:

ClinVar aggregate classification (germline): Uncertain significance. Review status: criteria provided, multiple submitters, no conflicts (2 of 4 stars). 3 submissions from 3 submitters: Uncertain significance (3). Last evaluated 2024-06-19.

Conditions:
GM1 gangliosidosis. Identifiers: Orphanet 354, MedGen C0085131, MONDO:0018149.
Mucopolysaccharidosis, MPS-IV-B (MPS4B). Also called: MORQUIO SYNDROME B; Mucopolysaccharidosis type IV B; Mucopolysaccharidosis type 4B; Mucopolysaccharidosis Type IVB; Mucopolysaccharidosis Type IVB (Morquio B Disease); Mucopolysaccharidosis type IVB (Morquio). Identifiers: Orphanet 309310, Orphanet 582, MedGen C0086652, MONDO:0009660, OMIM 253010.
GM1 gangliosidosis type 3. Also called: GANGLIOSIDOSIS, GENERALIZED GM1, ADULT TYPE; GANGLIOSIDOSIS, GENERALIZED GM1, CHRONIC TYPE; GANGLIOSIDOSIS, GENERALIZED GM1, TYPE III; Beta-galactosidase deficiency; Adult GM1 gangliosidosis; Type 3 (adult) GM1 gangliosidosis. Identifiers: Orphanet 79257, MedGen C0268273, MONDO:0009262, OMIM 230650.

Allele frequency attached by ClinVar (database versions not stated): gnomAD 0.00001 and 0.00003; TOPMed 0.00003; ExAC 0.00007; gnomAD exomes 0.00008; 1000 Genomes Project 30x 0.00016; 1000 Genomes Project 0.00020.
gnomAD v4.1: 58 of 1,614,218 alleles (0.0036%); highest among the groups gnomAD compares: East Asian, 0.033%; no homozygotes.

Submissions (3):

Blueprint Genetics
Classification: Uncertain significance. Last evaluated: 2024-06-19. Review status: criteria provided, single submitter. Criteria: ACMG Guidelines, 2015. Collection method: clinical testing. Allele origin: germline.

3billion
Classification: Uncertain significance for GM1 gangliosidosis type 3. Last evaluated: 2024-06-03. Review status: criteria provided, single submitter. Criteria: ACMG Guidelines, 2015. Collection method: clinical testing. Allele origin: germline. Affected: yes.
Comment: The variant is observed at an extremely low frequency in the gnomAD v4.0.0 dataset (total allele frequency: 0.004%). Predicted Consequence/Location: Missense variant In silico tool predictions suggest damaging effect of the variant on gene or gene product [REVEL: 0.47 (>=0.6, sensitivity 0.68 and specificity 0.92); 3Cnet: 0.70 (>=0.6, sensitivity 0.72 and precision 0.9)]. Therefore, this variant is classified as VUS according to the recommendation of ACMG/AMP guideline.

Labcorp Genetics (formerly Invitae), Labcorp
Classification: Uncertain significance for Mucopolysaccharidosis, MPS-IV-B; GM1 gangliosidosis. Last evaluated: 2021-09-17. Review status: criteria provided, single submitter. Criteria: Invitae Variant Classification Sherloc (09022015). Collection method: clinical testing. Allele origin: germline.
Comment: This sequence change replaces aspartic acid with glycine at codon 295 of the GLB1 protein (p.Asp295Gly). The aspartic acid residue is weakly conserved and there is a moderate physicochemical difference between aspartic acid and glycine. This variant is present in population databases (rs76016860, ExAC 0.04%). This variant has not been reported in the literature in individuals with GLB1-related conditions. Algorithms developed to predict the effect of missense changes on protein structure and function (SIFT, PolyPhen-2, Align-GVGD) all suggest that this variant is likely to be tolerated, but these predictions have not been confirmed by published functional studies and their clinical significance is uncertain. Algorithms developed to predict the effect of sequence changes on RNA splicing suggest that this variant may create or strengthen a splice site, but this prediction has not been confirmed by published transcriptional studies. In summary, the available evidence is currently insufficient to determine the role of this variant in disease. Therefore, it has been classified as a Variant of Uncertain Significance.

NM_000404.4(GLB1):c.884A>G (p.Asp295Gly)

Gene: GLB1 (galactosidase beta 1; minus strand). Cytogenetic location: 3p22.3.
Variant type: single nucleotide variant.
Coding change: c.884A>G on transcript NM_000404.4 (MANE Select); coding-DNA position 884, A replaced by G.
Protein change: p.Asp295Gly; replaces aspartic acid 295 with glycine.
Molecular consequence: missense variant.
Genome position (GRCh38, 1-based): chr3:33,051,913, T>C on the plus strand (A>G on the coding strand, the complement: GLB1 is on the minus strand). VCF-style: chr3-33051913-T-C. GRCh37 (hg19) VCF-style: chr3-33093405-T-C.
Other names: c.794A>G, p.Asp265Gly (NM_001079811.3); c.491A>G, p.Asp164Gly (NM_001135602.3); c.1028A>G, p.Asp343Gly (NM_001317040.2); c.884A>G, p.Asp295Gly (NM_001393580.1); short protein forms D164G, D265G, D295G, D343G.
Identifiers: ClinVar variation 1333279 (VCV001333279.7), dbSNP rs76016860, ClinGen allele CA2299572.
Genomic context (GRCh38, chr3:33,051,913, plus strand): 5'-GCACCCTCCCCTCAGGCAATGAACACTCACAAGTTCACACTCGCCCCACGGGCAAGTATA[T>C]CATAGAGGGAGGAAGCCACTGCTTCGGTCTTGATTGTGGAGTGAGGTTGGCCCCAGTGAT-3'
Protein context (NP_000395.3, residues 285-305): KTEAVASSLY[Asp295Gly]ILARGASVNL